The following is an entry in ClinVar:

NM_018559.5(GPALPP1):c.249C>T (p.Asp83=)

Gene: GPALPP1 (GPALPP motifs containing 1; plus strand). Cytogenetic location: 13q14.12.
Variant type: single nucleotide variant.
Coding change: c.249C>T on transcript NM_018559.5 (MANE Select); coding-DNA position 249, C replaced by T.
Protein change: p.Asp83=; no amino-acid change (aspartic acid 83 retained).
Molecular consequence: synonymous variant. On other transcripts: 5 prime UTR variant (1).
Genome position (GRCh38, 1-based): chr13:45,006,229, C>T. VCF-style: chr13-45006229-C-T. GRCh37 (hg19) VCF-style: chr13-45580364-C-T.
Other names: c.249C>T, p.Asp83= (NM_001316951.2); c.-242C>T (NM_001316952.2).
Identifiers: ClinVar variation 2643799 (VCV002643799.24), dbSNP rs150118549, ClinGen allele CA6970795.

ClinVar aggregate classification (germline): Likely benign (1 of 4 stars; one submission).

Allele frequency attached by ClinVar (database versions not stated): TOPMed 0.00058; gnomAD 0.00068; ExAC 0.00078; gnomAD exomes 0.00099; ESP Exome Variant Server 0.00100.
gnomAD v4.1: 1,524 of 1,607,132 alleles (0.095%); highest among the groups gnomAD compares: Non-Finnish European, 0.12%; 2 homozygotes.

Submission:

CeGaT Center for Human Genetics Tuebingen
Classification: Likely benign. Last evaluated: 2022-07-01. Review status: criteria provided, single submitter. Criteria: CeGaT Center For Human Genetics Tuebingen Variant Classification Criteria Version 2. Collection method: clinical testing. Allele origin: germline. Affected: yes. Observed: 1 variant allele.
Comment: GPALPP1: BP4, BP7